The following is an entry in ClinVar:

ClinVar aggregate classification (germline): Conflicting classifications of pathogenicity. Review status: criteria provided, conflicting classifications (1 of 4 stars). 4 submissions from 4 submitters: Uncertain significance (2); Likely benign (2). Last evaluated 2026-01-21.

Conditions:
Bethlem myopathy 2 (BTHLM2). Identifiers: Orphanet 536516, Orphanet 610, MedGen C4225313, MONDO:0034022, OMIM 616471.
Ullrich congenital muscular dystrophy 2 (UCMD2). Identifiers: Orphanet 75840, MedGen C4225314, MONDO:0014654, OMIM 616470.
Inborn genetic diseases. Identifiers: MedGen C0950123, MeSH D030342.

Allele frequency attached by ClinVar (database versions not stated): gnomAD 0.00001; ExAC 0.00002; gnomAD exomes 0.00002; TOPMed 0.00002.
gnomAD v4.1: 17 of 1,614,090 alleles (0.0011%); highest among the groups gnomAD compares: Middle Eastern, 0.016%; no homozygotes.

Submissions (4):

Labcorp Genetics (formerly Invitae), Labcorp
Classification: Likely benign for Bethlem myopathy 2; Ullrich congenital muscular dystrophy 2. Last evaluated: 2026-01-21. Review status: criteria provided, single submitter. Criteria: Invitae Variant Classification Sherloc (09022015). Collection method: clinical testing. Allele origin: germline.

Ambry Genetics
Classification: Uncertain significance for Inborn genetic diseases. Last evaluated: 2025-11-02. Review status: criteria provided, single submitter. Criteria: Ambry Variant Classification Scheme 2023. Collection method: clinical testing. Allele origin: germline.

CeGaT Center for Human Genetics Tuebingen
Classification: Likely benign. Last evaluated: 2023-09-01. Review status: criteria provided, single submitter. Criteria: CeGaT Center For Human Genetics Tuebingen Variant Classification Criteria Version 2. Collection method: clinical testing. Allele origin: germline. Affected: yes. Observed: 1 variant allele.
Comment: COL12A1: BP4

Revvity Omics, Revvity
Classification: Uncertain significance. Last evaluated: 2020-04-03. Review status: criteria provided, single submitter. Criteria: ACMG Guidelines, 2015. Collection method: clinical testing. Allele origin: germline.

NM_004370.6(COL12A1):c.5957C>T (p.Thr1986Met)

Gene: COL12A1 (collagen type XII alpha 1 chain; minus strand). Cytogenetic location: 6q13.
Variant type: single nucleotide variant.
Coding change: c.5957C>T on transcript NM_004370.6 (MANE Select); coding-DNA position 5957, C replaced by T.
Protein change: p.Thr1986Met; replaces threonine 1986 with methionine.
Molecular consequence: missense variant.
Genome position (GRCh38, 1-based): chr6:75,130,962, G>A on the plus strand (C>T on the coding strand, the complement: COL12A1 is on the minus strand). VCF-style: chr6-75130962-G-A. GRCh37 (hg19) VCF-style: chr6-75840678-G-A.
Other names: c.2465C>T, p.Thr822Met (NM_080645.3); c.5957C>T (NM_004370.5); short protein forms T1986M, T822M.
Identifiers: ClinVar variation 1414783 (VCV001414783.34), dbSNP rs768824483, ClinGen allele CA3892946.
Genomic context (GRCh38, chr6:75,130,962, plus strand): 5'-GCCACAAGGTTCACGGAATAGAGTGTGTCCGGAATCAGCCGCTCCAGATGCACCATGCGC[G>A]TGTTTCCTGGCACTACTATCTGCAGGAGAGGAAATGCCAAATTCTGCCTGACAACAACTC-3'
Protein context (NP_004361.3, residues 1976-1996): PSESIVVPGN[Thr1986Met]RMVHLERLIP